The following is an entry in ClinVar:

NM_000075.4(CDK4):c.684-20A>C

Genes: CDK4 (cyclin dependent kinase 4; minus strand), TSPAN31 (tetraspanin 31; plus strand). Cytogenetic location: 12q14.1.
Variant type: single nucleotide variant.
Coding change: c.684-20A>C on transcript NM_000075.4 (MANE Select); 20 bases into the intron before coding-DNA position 684, A replaced by C.
Molecular consequence: intron variant. On other transcripts: 3 prime UTR variant (3).
Genome position (GRCh38, 1-based): chr12:57,749,337, T>G on the plus strand (A>C on the coding strand, the complement: CDK4 is on the minus strand). VCF-style: chr12-57749337-T-G. GRCh37 (hg19) VCF-style: chr12-58143120-T-G.
Other names: c.*2047T>G (NM_001330168.2, NM_001330169.2, NM_005981.5).
Identifiers: ClinVar variation 3378566 (VCV003378566.1).

ClinVar aggregate classification (germline): Likely benign (1 of 4 stars; one submission).

Conditions:
Melanoma, cutaneous malignant, susceptibility to, 3. Also called: Cutaneous malignant melanoma 3. Identifiers: Orphanet 618, MedGen C1836892, MONDO:0012183, OMIM 609048.

Submission:

Myriad Genetics, Inc.
Classification: Likely benign for Melanoma, cutaneous malignant, susceptibility to, 3. Last evaluated: 2024-09-26. Review status: criteria provided, single submitter. Criteria: Myriad Autosomal Dominant, Autosomal Recessive and X-Linked Classification Criteria (2023). Collection method: clinical testing. Allele origin: unknown.
Comment: This variant is considered likely benign. This variant is intronic and is not expected to impact mRNA splicing.